The following is an entry in ClinVar:

ClinVar aggregate classification (germline): Uncertain significance. Review status: criteria provided, multiple submitters, no conflicts (2 of 4 stars). 3 submissions from 3 submitters: Uncertain significance (3). Last evaluated 2025-08-12.

Conditions:
Charcot-Marie-Tooth disease dominant intermediate F. Identifiers: Orphanet 352670, MedGen C4749463, MONDO:0014074, OMIM 615185.
Inborn genetic diseases. Identifiers: MedGen C0950123, MeSH D030342.

Allele frequency attached by ClinVar (database versions not stated): ExAC 0.00001; gnomAD exomes 0.00001; gnomAD 0.00002; TOPMed 0.00002.
gnomAD v4.1: 14 of 1,612,772 alleles (0.00087%); highest among the groups gnomAD compares: African/African-American, 0.0027%; no homozygotes.

Submissions (3):

Labcorp Genetics (formerly Invitae), Labcorp
Classification: Uncertain significance for Charcot-Marie-Tooth disease dominant intermediate F. Last evaluated: 2025-08-12. Review status: criteria provided, single submitter. Criteria: Invitae Variant Classification Sherloc (09022015). Collection method: clinical testing. Allele origin: germline.
Comment: This sequence change replaces arginine, which is basic and polar, with glutamine, which is neutral and polar, at codon 46 of the GNB4 protein (p.Arg46Gln). This variant is present in population databases (rs755914601, gnomAD 0.003%). This variant has not been reported in the literature in individuals affected with GNB4-related conditions. ClinVar contains an entry for this variant (Variation ID: 863498). Invitae Evidence Modeling of protein sequence and biophysical properties (such as structural, functional, and spatial information, amino acid conservation, physicochemical variation, residue mobility, and thermodynamic stability) indicates that this missense variant is not expected to disrupt GNB4 protein function with a negative predictive value of 95%. In summary, the available evidence is currently insufficient to determine the role of this variant in disease. Therefore, it has been classified as a Variant of Uncertain Significance.

Ambry Genetics
Classification: Uncertain significance for Inborn genetic diseases. Last evaluated: 2025-06-07. Review status: criteria provided, single submitter. Criteria: Ambry Variant Classification Scheme 2023. Collection method: clinical testing. Allele origin: germline.

Mayo Clinic Laboratories, Mayo Clinic
Classification: Uncertain significance. Last evaluated: 2025-02-27. Review status: criteria provided, single submitter. Criteria: ACMG Guidelines, 2015. Collection method: clinical testing. Allele origin: germline. Observed: 1 variant allele.

NM_021629.4(GNB4):c.137G>A (p.Arg46Gln)

Gene: GNB4 (G protein subunit beta 4; minus strand). Cytogenetic location: 3q26.33.
Variant type: single nucleotide variant.
Coding change: c.137G>A on transcript NM_021629.4 (MANE Select); coding-DNA position 137, G replaced by A.
Protein change: p.Arg46Gln; replaces arginine 46 with glutamine.
Molecular consequence: missense variant.
Genome position (GRCh38, 1-based): chr3:179,419,465, C>T on the plus strand (G>A on the coding strand, the complement: GNB4 is on the minus strand). VCF-style: chr3-179419465-C-T. GRCh37 (hg19) VCF-style: chr3-179137253-C-T.
Other names: p.Arg46Gln; short protein forms R46Q.
Identifiers: ClinVar variation 863498 (VCV000863498.9), dbSNP rs755914601, ClinGen allele CA2712571.